The following is an entry in ClinVar:

ClinVar aggregate classification (germline): Uncertain significance (1 of 4 stars; one submission).

Allele frequency attached by ClinVar (database versions not stated): gnomAD exomes below 0.00001.
gnomAD v4.1: 1 of 1,613,316 alleles (0.000062%); highest among the groups gnomAD compares: Non-Finnish European, 0.000085%; no homozygotes.

Submission:

CeGaT Center for Human Genetics Tuebingen
Classification: Uncertain significance. Last evaluated: 2023-07-01. Review status: criteria provided, single submitter. Criteria: CeGaT Center For Human Genetics Tuebingen Variant Classification Criteria Version 2. Collection method: clinical testing. Allele origin: germline. Affected: yes. Observed: 1 variant allele.
Comment: TTN: PM2, BP4

NM_001267550.2(TTN):c.62142C>A (p.Asp20714Glu)

Genes: TTN (titin; minus strand), TTN-AS1 (TTN antisense RNA 1; plus strand). Cytogenetic location: 2q31.2.
Variant type: single nucleotide variant.
Coding change: c.62142C>A on transcript NM_001267550.2 (MANE Select); coding-DNA position 62142, C replaced by A.
Protein change: p.Asp20714Glu; replaces aspartic acid 20714 with glutamic acid.
Molecular consequence: missense variant.
Genome position (GRCh38, 1-based): chr2:178,589,583, G>T on the plus strand (C>A on the coding strand, the complement: TTN is on the minus strand). VCF-style: chr2-178589583-G-T. GRCh37 (hg19) VCF-style: chr2-179454310-G-T.
Other names: c.57219C>A, p.Asp19073Glu (NM_001256850.1); c.34947C>A, p.Asp11649Glu (NM_003319.4); c.54438C>A, p.Asp18146Glu (NM_133378.4); c.35322C>A, p.Asp11774Glu (NM_133432.3); c.35523C>A, p.Asp11841Glu (NM_133437.4); short protein forms D11649E, D11774E, D11841E, D18146E, D19073E, D20714E.
Identifiers: ClinVar variation 2651621 (VCV002651621.24), dbSNP rs2469399874, ClinGen allele CA349465795.